The following is an entry in ClinVar:

NM_173354.5(SIK1):c.1989A>C (p.Leu663Phe)

Gene: SIK1 (salt inducible kinase 1; minus strand). Cytogenetic location: 21q22.3.
Variant type: single nucleotide variant.
Coding change: c.1989A>C on transcript NM_173354.5 (MANE Select); coding-DNA position 1989, A replaced by C.
Protein change: p.Leu663Phe; replaces leucine 663 with phenylalanine.
Molecular consequence: missense variant.
Genome position (GRCh38, 1-based): chr21:43,417,105, T>G on the plus strand (A>C on the coding strand, the complement: SIK1 is on the minus strand). VCF-style: chr21-43417105-T-G. GRCh37 (hg19) VCF-style: chr21-44836985-T-G.
Other names: short protein forms L663F.
Identifiers: ClinVar variation 845487 (VCV000845487.11), dbSNP rs367955174, ClinGen allele CA321324564.

ClinVar aggregate classification (germline): Uncertain significance. Review status: criteria provided, multiple submitters, no conflicts (2 of 4 stars). 2 submissions from 2 submitters: Uncertain significance (2). Last evaluated 2025-01-30.

Conditions:
Inborn genetic diseases. Identifiers: MedGen C0950123, MeSH D030342.
Developmental and epileptic encephalopathy, 30 (DEE30). Also called: Epileptic encephalopathy, early infantile, 30. Identifiers: MedGen C4225360, MONDO:0014595, OMIM 616341.

Allele frequency attached by ClinVar (database versions not stated): ExAC below 0.00001; ESP Exome Variant Server 0.00009.

Submissions (2):

Labcorp Genetics (formerly Invitae), Labcorp
Classification: Uncertain significance for Developmental and epileptic encephalopathy, 30. Last evaluated: 2025-01-30. Review status: criteria provided, single submitter. Criteria: Invitae Variant Classification Sherloc (09022015). Collection method: clinical testing. Allele origin: germline.
Comment: This sequence change replaces leucine, which is neutral and non-polar, with phenylalanine, which is neutral and non-polar, at codon 663 of the SIK1 protein (p.Leu663Phe). This variant is not present in population databases (gnomAD no frequency). This variant has not been reported in the literature in individuals affected with SIK1-related conditions. ClinVar contains an entry for this variant (Variation ID: 845487). Invitae Evidence Modeling of protein sequence and biophysical properties (such as structural, functional, and spatial information, amino acid conservation, physicochemical variation, residue mobility, and thermodynamic stability) indicates that this missense variant is not expected to disrupt SIK1 protein function with a negative predictive value of 95%. In summary, the available evidence is currently insufficient to determine the role of this variant in disease. Therefore, it has been classified as a Variant of Uncertain Significance.

Ambry Genetics
Classification: Uncertain significance for Inborn genetic diseases. Last evaluated: 2021-08-13. Review status: criteria provided, single submitter. Criteria: Ambry Variant Classification Scheme 2023. Collection method: clinical testing. Allele origin: germline.